The following is an entry in ClinVar:

ClinVar aggregate classification (germline): Pathogenic. Review status: reviewed by expert panel (3 of 4 stars). 5 submissions from 5 submitters: Pathogenic (1). 4 of the submissions do not count toward it. Last evaluated 2016-09-08.

Conditions:
Familial cancer of breast. Also called: BREAST CANCER, FAMILIAL; hereditary breast carcinoma; Hereditary breast cancer. Identifiers: Orphanet 227535, MedGen C0346153, MONDO:0016419, OMIM 114480. Disease mechanism: loss of function.
Fanconi anemia complementation group D1. Also called: BRCA2-Related Fanconi Anemia. Identifiers: Orphanet 319462, MedGen C1838457, MONDO:0011584, OMIM 605724.
Medulloblastoma (MDB). Also called: Medulloblastoma, somatic; MEDULLOBLASTOMA PREDISPOSITION SYNDROME. Identifiers: Orphanet 616, MedGen C0025149, MeSH D008527, MONDO:0007959, OMIM 155255, HP:0002885.
Breast-ovarian cancer, familial, susceptibility to, 2 (BROVCA2). Also called: BRCA2 Hereditary Breast and Ovarian Cancer. Identifiers: Orphanet 145, MedGen C2675520, MONDO:0012933, OMIM 612555. Disease mechanism: loss of function.
Wilms tumor 1 (WT1). Also called: Wilms tumor, somatic. Identifiers: Orphanet 654, MedGen CN033288, MONDO:0008679, OMIM 194070.
Glioma susceptibility 3 (GLM3). Also called: Glioblastoma 3. Identifiers: Orphanet 182067, Orphanet 360, MedGen C2751641, MONDO:0013093, OMIM 613029.
Pancreatic cancer, susceptibility to, 2. Identifiers: Orphanet 1333, MedGen C3150546, MONDO:0013235, OMIM 613347.
Familial prostate cancer. Also called: Hereditary Prostate Cancer. Identifiers: MedGen C2931456, MONDO:0700275, OMIM 176807.
Hereditary cancer-predisposing syndrome. Also called: Neoplastic Syndromes, Hereditary; Hereditary neoplastic syndrome; Hereditary Cancer Syndrome; Tumor predisposition. Identifiers: Orphanet 140162, MedGen C0027672, MeSH D009386, MONDO:0015356.
Hereditary breast ovarian cancer syndrome. Also called: Breast and ovarian cancer; Hereditary breast and/or ovarian cancer syndrome; Hereditary breast and ovarian cancer syndrome; Hereditary breast and ovarian cancer syndrome (HBOC); Hereditary breast and ovarian cancer; BRCA1- and BRCA2-Associated Hereditary Breast and Ovarian Cancer. Identifiers: Orphanet 145, MedGen C0677776, MeSH D061325, MONDO:0003582. Disease mechanism: loss of function.

Submissions (5):

Evidence-based Network for the Interpretation of Germline Mutant Alleles (ENIGMA)
Classification: Pathogenic for Breast-ovarian cancer, familial, susceptibility to, 2. Last evaluated: 2016-09-08. Review status: reviewed by expert panel. Criteria: ENIGMA BRCA1/2 Classification Criteria (2015). Collection method: curation. Allele origin: germline.
Comment: Variant allele predicted to encode a truncated non-functional protein.

Labcorp Genetics (formerly Invitae), Labcorp
Classification: Pathogenic for Hereditary breast ovarian cancer syndrome. Last evaluated: 2022-10-05. Review status: criteria provided, single submitter. Criteria: Invitae Variant Classification Sherloc (09022015). Collection method: clinical testing. Allele origin: germline. Not counted in ClinVar's aggregate classification.
Comment: For these reasons, this variant has been classified as Pathogenic. ClinVar contains an entry for this variant (Variation ID: 141199). This variant has not been reported in the literature in individuals affected with BRCA2-related conditions. This variant is not present in population databases (gnomAD no frequency). This sequence change creates a premature translational stop signal (p.Ser973*) in the BRCA2 gene. It is expected to result in an absent or disrupted protein product. Loss-of-function variants in BRCA2 are known to be pathogenic (PMID: 20104584).

Ambry Genetics
Classification: Pathogenic for Hereditary cancer-predisposing syndrome. Last evaluated: 2018-07-26. Review status: criteria provided, single submitter. Criteria: Ambry Variant Classification Scheme 2023. Collection method: clinical testing. Allele origin: germline. Not counted in ClinVar's aggregate classification.
Comment: The p.S973* pathogenic mutation (also known as c.2918C>A), located in coding exon 10 of the BRCA2 gene, results from a C to A substitution at nucleotide position 2918. This changes the amino acid from a serine to a stop codon within coding exon 10. This alteration is expected to result in loss of function by premature protein truncation or nonsense-mediated mRNA decay. As such, this alteration is interpreted as a disease-causing mutation.

Juno Genomics, Hangzhou Juno Genomics, Inc
Classification: Pathogenic for Familial cancer of breast; Medulloblastoma; Familial prostate cancer; Wilms tumor 1; Fanconi anemia complementation group D1; Breast-ovarian cancer, familial, susceptibility to, 2; Pancreatic cancer, susceptibility to, 2; Glioma susceptibility 3. Review status: criteria provided, single submitter. Criteria: ACMG Guidelines, 2015. Collection method: clinical testing. Allele origin: germline. Affected: yes. Not counted in ClinVar's aggregate classification.
Comment: Absent from controls (or at extremely low frequency if recessive) in Genome Aggregation Database, Exome Sequencing Project, 1000 Genomes Project, or Exome Aggregation Consortium.;Null variant in a gene where loss of function (LOF) is a known mechanism of disease.

deCODE genetics, Amgen
Classification: Likely pathogenic for Breast-ovarian cancer, familial, susceptibility to, 2. Last evaluated: 2023-07-21. Review status: no assertion criteria provided. Collection method: research. Allele origin: germline. Affected: yes. Observed: 1 variant allele. Not counted in ClinVar's aggregate classification.
Comment: The variant NM_000059.4:c.2918C>A (chr13:32337273) in BRCA2 was detected in 1 heterozygote out of 58K WGS Icelanders (MAF= 0,001%). This variant has been reported in ClinVar previously as pathogenic. Based on ACMG criteria (PVS1, PM2) this variant classifies as likely pathogenic.

Literature cited by the submitters: PubMed 20104584 (cited by Labcorp Genetics (formerly Invitae), Labcorp).

NM_000059.4(BRCA2):c.2918C>A (p.Ser973Ter)

Gene: BRCA2 (BRCA2 DNA repair associated; plus strand). Cytogenetic location: 13q13.1.
Variant type: single nucleotide variant.
Coding change: c.2918C>A on transcript NM_000059.4 (MANE Select); coding-DNA position 2918, C replaced by A.
Protein change: p.Ser973Ter; replaces serine 973 with a stop codon.
Molecular consequence: nonsense.
Genome position (GRCh38, 1-based): chr13:32,337,273, C>A. VCF-style: chr13-32337273-C-A. GRCh37 (hg19) VCF-style: chr13-32911410-C-A.
Other names: short protein forms S973*.
Identifiers: ClinVar variation 141199 (VCV000141199.32), dbSNP rs397507296, ClinGen allele CA016767.